The following is an entry in ClinVar:

NM_001378454.1(ALMS1):c.10100T>G (p.Ile3367Ser)

Gene: ALMS1 (ALMS1 centrosome and basal body associated protein; plus strand). Cytogenetic location: 2p13.1.
Variant type: single nucleotide variant.
Coding change: c.10100T>G on transcript NM_001378454.1 (MANE Select); coding-DNA position 10100, T replaced by G.
Protein change: p.Ile3367Ser; replaces isoleucine 3367 with serine.
Molecular consequence: missense variant.
Genome position (GRCh38, 1-based): chr2:73,557,241, T>G. VCF-style: chr2-73557241-T-G. GRCh37 (hg19) VCF-style: chr2-73784368-T-G.
Other names: c.10103T>G, p.Ile3368Ser (NM_015120.4); short protein forms I3368S, I3367S.
Identifiers: ClinVar variation 3857419 (VCV003857419.1).

ClinVar aggregate classification (germline): Uncertain significance (1 of 4 stars; one submission).

Conditions:
Cardiovascular phenotype. Identifiers: MedGen CN230736.

gnomAD v4.1: 1 of 1,614,040 alleles (0.000062%); highest among the groups gnomAD compares: African/African-American, 0.0013%; no homozygotes.

Submission:

Ambry Genetics
Classification: Uncertain significance for Cardiovascular phenotype. Last evaluated: 2025-01-15. Review status: criteria provided, single submitter. Criteria: Ambry Variant Classification Scheme 2023. Collection method: clinical testing. Allele origin: germline.
Comment: The p.I3368S variant (also known as c.10103T>G), located in coding exon 14 of the ALMS1 gene, results from a T to G substitution at nucleotide position 10103. The isoleucine at codon 3368 is replaced by serine, an amino acid with dissimilar properties. This amino acid position is well conserved in available vertebrate species. In addition, the in silico prediction for this alteration is inconclusive. Based on the available evidence, the clinical significance of this variant remains unclear.